The following is an entry in ClinVar:

NM_152753.4(SCUBE3):c.1201C>T (p.Leu401=)

Gene: SCUBE3 (signal peptide, CUB domain and EGF like domain containing 3; plus strand). Cytogenetic location: 6p21.31.
Variant type: single nucleotide variant.
Coding change: c.1201C>T on transcript NM_152753.4 (MANE Select); coding-DNA position 1201, C replaced by T.
Protein change: p.Leu401=; no amino-acid change (leucine 401 retained).
Molecular consequence: synonymous variant.
Genome position (GRCh38, 1-based): chr6:35,241,548, C>T. VCF-style: chr6-35241548-C-T. GRCh37 (hg19) VCF-style: chr6-35209325-C-T.
Other names: c.1198C>T, p.Leu400= (NM_001303136.2).
Identifiers: ClinVar variation 2673056 (VCV002673056.23), dbSNP rs141310659, ClinGen allele CA137262083.

ClinVar aggregate classification (germline): Uncertain significance (1 of 4 stars; one submission).

Allele frequency attached by ClinVar (database versions not stated): gnomAD 0.00002; TOPMed 0.00002; ESP Exome Variant Server 0.00008.
gnomAD v4.1: 3 of 1,611,208 alleles (0.00019%); highest among the groups gnomAD compares: African/African-American, 0.0013%; no homozygotes.

Submission:

CeGaT Center for Human Genetics Tuebingen
Classification: Uncertain significance. Last evaluated: 2023-11-01. Review status: criteria provided, single submitter. Criteria: CeGaT Center For Human Genetics Tuebingen Variant Classification Criteria Version 2. Collection method: clinical testing. Allele origin: germline. Affected: yes. Observed: 1 variant allele.
Comment: SCUBE3: PM2, BP4